The following is an entry in ClinVar:

NM_000642.3(AGL):c.3619G>A (p.Ala1207Thr)

Gene: AGL (amylo-alpha-1,6-glucosidase and 4-alpha-glucanotransferase; plus strand). Cytogenetic location: 1p21.2.
Variant type: single nucleotide variant.
Coding change: c.3619G>A on transcript NM_000642.3 (MANE Select); coding-DNA position 3619, G replaced by A.
Protein change: p.Ala1207Thr; replaces alanine 1207 with threonine.
Molecular consequence: missense variant.
Genome position (GRCh38, 1-based): chr1:99,902,713, G>A. VCF-style: chr1-99902713-G-A. GRCh37 (hg19) VCF-style: chr1-100368269-G-A.
Other names: c.3418G>A, p.Ala1140Thr (NM_001425327.1); c.3415G>A, p.Ala1139Thr (NM_001425328.1); c.3280G>A, p.Ala1094Thr (NM_001425329.1); c.3241G>A, p.Ala1081Thr (NM_001425332.1); c.3619G>A, p.Ala1207Thr (NM_000028.3, NM_000643.3, NM_000644.3 and 1 more transcripts); c.3571G>A, p.Ala1191Thr (NM_000646.3); c.3598G>A, p.Ala1200Thr (NM_001425326.1); short protein forms A1207T, A1191T, A1081T, A1094T, A1139T, A1140T, A1200T.
Identifiers: ClinVar variation 256741 (VCV000256741.27), dbSNP rs11807956, ClinGen allele CA967161.

ClinVar aggregate classification (germline): Benign. Review status: criteria provided, multiple submitters, no conflicts (2 of 4 stars). 7 submissions from 7 submitters: Benign (6). 1 of the submissions does not count toward it. Last evaluated 2026-02-04.

Conditions:
Glycogen storage disease type III (GSD3). Also called: FORBES DISEASE; Cori disease. Identifiers: Orphanet 366, MedGen C0017922, MONDO:0009291, OMIM 232400.

Allele frequency attached by ClinVar (database versions not stated): 1000 Genomes Project 0.00779; gnomAD 0.00858 and 0.00940; TOPMed 0.00976; ESP Exome Variant Server 0.01038; ExAC 0.00285; 1000 Genomes Project 30x 0.00734; gnomAD exomes 0.00079 and 0.00221.
gnomAD v4.1: 2,529 of 1,613,444 alleles (0.16%); highest among the groups gnomAD compares: African/African-American, 3%; 43 homozygotes.

Submissions (7):

Labcorp Genetics (formerly Invitae), Labcorp
Classification: Benign for Glycogen storage disease type III. Last evaluated: 2026-02-04. Review status: criteria provided, single submitter. Criteria: Invitae Variant Classification Sherloc (09022015). Collection method: clinical testing. Allele origin: germline.

ARUP Laboratories, Molecular Genetics and Genomics, ARUP Laboratories
Classification: Benign. Last evaluated: 2025-06-25. Review status: criteria provided, single submitter. Criteria: ARUP Molecular Germline Variant Investigation Process 2024. Collection method: clinical testing. Allele origin: germline.

Mayo Clinic Laboratories, Mayo Clinic
Classification: Benign. Last evaluated: 2023-08-29. Review status: criteria provided, single submitter. Criteria: ACMG Guidelines, 2015. Collection method: clinical testing. Allele origin: germline. Observed: 24 variant alleles.
Comment: BS1, BS2, BP4_strong

Genome-Nilou Lab
Classification: Benign for Glycogen storage disease type III. Last evaluated: 2021-07-15. Review status: criteria provided, single submitter. Criteria: ACMG Guidelines, 2015. Collection method: clinical testing. Allele origin: germline. Affected: no.

GeneDx
Classification: Benign. Last evaluated: 2017-01-04. Review status: criteria provided, single submitter. Criteria: GeneDx Variant Classification (06012015). Collection method: clinical testing. Allele origin: germline. Affected: yes.
Comment: This variant is considered likely benign or benign based on one or more of the following criteria: it is a conservative change, it occurs at a poorly conserved position in the protein, it is predicted to be benign by multiple in silico algorithms, and/or has population frequency not consistent with disease.

PreventionGenetics, part of Exact Sciences
Classification: Benign. Review status: criteria provided, single submitter. Criteria: ACMG Guidelines, 2015. Collection method: clinical testing. Allele origin: germline.

Natera, Inc.
Classification: Likely benign for Glycogen storage disease type III. Last evaluated: 2019-12-02. Review status: no assertion criteria provided. Collection method: clinical testing. Allele origin: germline. Not counted in ClinVar's aggregate classification.